The following is an entry in ClinVar:

ClinVar aggregate classification (germline): Uncertain significance (1 of 4 stars; one submission).

Conditions:
Tuberous sclerosis 1 (TSC1). Identifiers: Orphanet 805, MedGen C1854465, MONDO:0008612, OMIM 191100.

Submission:

Labcorp Genetics (formerly Invitae), Labcorp
Classification: Uncertain significance for Tuberous sclerosis 1. Last evaluated: 2023-05-18. Review status: criteria provided, single submitter. Criteria: Invitae Variant Classification Sherloc (09022015). Collection method: clinical testing. Allele origin: germline.
Comment: In summary, the available evidence is currently insufficient to determine the role of this variant in disease. Therefore, it has been classified as a Variant of Uncertain Significance. Advanced modeling of protein sequence and biophysical properties (such as structural, functional, and spatial information, amino acid conservation, physicochemical variation, residue mobility, and thermodynamic stability) performed at Invitae indicates that this missense variant is not expected to disrupt TSC1 protein function. This variant has not been reported in the literature in individuals affected with TSC1-related conditions. This variant is not present in population databases (gnomAD no frequency). This sequence change replaces serine, which is neutral and polar, with alanine, which is neutral and non-polar, at codon 836 of the TSC1 protein (p.Ser836Ala).

NM_000368.5(TSC1):c.2506T>G (p.Ser836Ala)

Gene: TSC1 (TSC complex subunit 1; minus strand). Cytogenetic location: 9q34.13.
Variant type: single nucleotide variant.
Coding change: c.2506T>G on transcript NM_000368.5 (MANE Select); coding-DNA position 2506, T replaced by G.
Protein change: p.Ser836Ala; replaces serine 836 with alanine.
Molecular consequence: missense variant. On other transcripts: non-coding transcript variant (5).
Genome position (GRCh38, 1-based): chr9:132,900,834, A>C on the plus strand (T>G on the coding strand, the complement: TSC1 is on the minus strand). VCF-style: chr9-132900834-A-C. GRCh37 (hg19) VCF-style: chr9-135776221-A-C.
Other names: c.2506T>G, p.Ser836Ala (NM_001406596.1, NM_001406592.1, NM_001406593.1 and 2 more transcripts); c.2503T>G, p.Ser835Ala (NM_001406597.1, NM_001406598.1, NM_001406599.1 and 2 more transcripts); c.2491T>G, p.Ser831Ala (NM_001406601.1, NM_001406602.1); c.2488T>G, p.Ser830Ala (NM_001406603.1, NM_001406604.1); c.2464T>G, p.Ser822Ala (NM_001406605.1, NM_001406606.1, NM_001406607.1); c.2143T>G, p.Ser715Ala (NM_001406615.1, NM_001406616.1, NM_001406617.1 and 4 more transcripts); c.2140T>G, p.Ser714Ala (NM_001406620.1, NM_001406621.1, NM_001406622.1 and 1 more transcripts); c.2101T>G, p.Ser701Ala (NM_001406624.1); and 8 more; short protein forms S770A, S784A, S785A, S830A, S700A, S714A, S485A, S518A.
Identifiers: ClinVar variation 2865387 (VCV002865387.3), dbSNP rs1845336311, ClinGen allele CA375370358.